The following is an entry in ClinVar:

NM_130466.4(UBE3B):c.2504G>A (p.Arg835His)

Gene: UBE3B (ubiquitin protein ligase E3B; plus strand). Cytogenetic location: 12q24.11.
Variant type: single nucleotide variant.
Coding change: c.2504G>A on transcript NM_130466.4 (MANE Select); coding-DNA position 2504, G replaced by A.
Protein change: p.Arg835His; replaces arginine 835 with histidine.
Molecular consequence: missense variant.
Genome position (GRCh38, 1-based): chr12:109,524,439, G>A. VCF-style: chr12-109524439-G-A. GRCh37 (hg19) VCF-style: chr12-109962244-G-A.
Other names: c.2504G>A, p.Arg835His (NM_183415.3); short protein forms R835H.
Identifiers: ClinVar variation 2042448 (VCV002042448.6), dbSNP rs752604839, ClinGen allele CA6778233.

ClinVar aggregate classification (germline): Uncertain significance. Review status: criteria provided, multiple submitters, no conflicts (2 of 4 stars). 2 submissions from 2 submitters: Uncertain significance (2). Last evaluated 2026-04-01.

Allele frequency attached by ClinVar (database versions not stated): ExAC 0.00001; gnomAD 0.00003; TOPMed 0.00003.
gnomAD v4.1: 116 of 1,614,076 alleles (0.0072%); highest among the groups gnomAD compares: Middle Eastern, 0.016%; no homozygotes.

Submissions (2):

CeGaT Center for Human Genetics Tuebingen
Classification: Uncertain significance. Last evaluated: 2026-04-01. Review status: criteria provided, single submitter. Criteria: CeGaT Center For Human Genetics Tuebingen Variant Classification Criteria Version 2. Collection method: clinical testing. Allele origin: germline. Affected: yes. Observed: 1 variant allele.
Comment: UBE3B: PM2

Labcorp Genetics (formerly Invitae), Labcorp
Classification: Uncertain significance. Last evaluated: 2022-08-04. Review status: criteria provided, single submitter. Criteria: Invitae Variant Classification Sherloc (09022015). Collection method: clinical testing. Allele origin: germline.
Comment: This sequence change replaces arginine, which is basic and polar, with histidine, which is basic and polar, at codon 835 of the UBE3B protein (p.Arg835His). This variant is present in population databases (rs752604839, gnomAD 0.007%). This variant has not been reported in the literature in individuals affected with UBE3B-related conditions. Algorithms developed to predict the effect of missense changes on protein structure and function (SIFT, PolyPhen-2, Align-GVGD) all suggest that this variant is likely to be tolerated. In summary, the available evidence is currently insufficient to determine the role of this variant in disease. Therefore, it has been classified as a Variant of Uncertain Significance.